The following is an entry in ClinVar:

NM_001904.4(CTNNB1):c.1768A>G (p.Ile590Val)

Gene: CTNNB1 (catenin beta 1; plus strand). Cytogenetic location: 3p22.1.
Variant type: single nucleotide variant.
Coding change: c.1768A>G on transcript NM_001904.4 (MANE Select); coding-DNA position 1768, A replaced by G.
Protein change: p.Ile590Val; replaces isoleucine 590 with valine.
Molecular consequence: missense variant.
Genome position (GRCh38, 1-based): chr3:41,235,808, A>G. VCF-style: chr3-41235808-A-G. GRCh37 (hg19) VCF-style: chr3-41277299-A-G.
Other names: c.1768A>G, p.Ile590Val (NM_001098209.2, NM_001098210.2); c.1747A>G, p.Ile583Val (NM_001330729.2); short protein forms I583V, I590V.
Identifiers: ClinVar variation 1480817 (VCV001480817.9), dbSNP rs2078421904, ClinGen allele CA352235753.
Genomic context (GRCh38, chr3:41,235,808, plus strand): 5'-GTTGAAGGTTGTACCGGAGCCCTTCACATCCTAGCTCGGGATGTTCACAACCGAATTGTT[A>G]TCAGAGGACTAAATACCATTCCATTGTTTGTGCAGGTATGTTTTAAGTGAAGTGTTCTAG-3'
Protein context (NP_001895.1, residues 580-600): LARDVHNRIV[Ile590Val]RGLNTIPLFV

ClinVar aggregate classification (germline): Uncertain significance. Review status: criteria provided, multiple submitters, no conflicts (2 of 4 stars). 2 submissions from 2 submitters: Uncertain significance (2). Last evaluated 2023-11-28.

Allele frequency attached by ClinVar (database versions not stated): gnomAD exomes below 0.00001; TOPMed below 0.00001.
gnomAD v4.1: 4 of 1,614,142 alleles (0.00025%); highest among the groups gnomAD compares: Non-Finnish European, 0.00034%; no homozygotes.

Submissions (2):

Labcorp Genetics (formerly Invitae), Labcorp
Classification: Uncertain significance. Last evaluated: 2023-11-28. Review status: criteria provided, single submitter. Criteria: Invitae Variant Classification Sherloc (09022015). Collection method: clinical testing. Allele origin: germline.
Comment: This sequence change replaces isoleucine, which is neutral and non-polar, with valine, which is neutral and non-polar, at codon 590 of the CTNNB1 protein (p.Ile590Val). This variant is not present in population databases (gnomAD no frequency). This variant has not been reported in the literature in individuals affected with CTNNB1-related conditions. ClinVar contains an entry for this variant (Variation ID: 1480817). Advanced modeling of protein sequence and biophysical properties (such as structural, functional, and spatial information, amino acid conservation, physicochemical variation, residue mobility, and thermodynamic stability) has been performed at Invitae for this missense variant, however the output from this modeling did not meet the statistical confidence thresholds required to predict the impact of this variant on CTNNB1 protein function. In summary, the available evidence is currently insufficient to determine the role of this variant in disease. Therefore, it has been classified as a Variant of Uncertain Significance.

Blueprint Genetics
Classification: Uncertain significance. Last evaluated: 2020-09-22. Review status: criteria provided, single submitter. Criteria: ACMG Guidelines, 2015. Collection method: clinical testing. Allele origin: germline.